The following is an entry in ClinVar:

NM_031885.5(BBS2):c.1828C>T (p.Leu610Phe)

Gene: BBS2 (Bardet-Biedl syndrome 2; minus strand). Cytogenetic location: 16q13.
Variant type: single nucleotide variant.
Coding change: c.1828C>T on transcript NM_031885.5 (MANE Select); coding-DNA position 1828, C replaced by T.
Protein change: p.Leu610Phe; replaces leucine 610 with phenylalanine.
Molecular consequence: missense variant. On other transcripts: non-coding transcript variant (5).
Genome position (GRCh38, 1-based): chr16:56,497,049, G>A on the plus strand (C>T on the coding strand, the complement: BBS2 is on the minus strand). VCF-style: chr16-56497049-G-A. GRCh37 (hg19) VCF-style: chr16-56530961-G-A.
Other names: c.1828C>T, p.Leu610Phe (NM_001377456.1); short protein forms L610F.
Identifiers: ClinVar variation 3345324 (VCV003345324.2).
Genomic context (GRCh38, chr16:56,497,049, plus strand): 5'-CCTCAGCTCCGACCAGCAAACTTCGGATCAAATTAGAATGATCAGCCATATCAGCACTGA[G>A]CTTCTGATGCACTGAATGATATTCATCCACCTGGAGACCATGAACACTCAGGAATGAAAA-3'
Protein context (NP_114091.4, residues 600-620): VDEYHSVHQK[Leu610Phe]SADMADHSNL

ClinVar aggregate classification (germline): Uncertain significance. Review status: criteria provided, single submitter (1 of 4 stars). 2 submissions from 2 submitters: Uncertain significance (1). 1 of the submissions does not count toward it. Last evaluated 2025-09-10.

Conditions:
BBS2-related disorder. Also called: BBS2-related condition; BBS2-related disorders. Identifiers: MedGen CN239228.
Inborn genetic diseases. Identifiers: MedGen C0950123, MeSH D030342.

Submissions (2):

Ambry Genetics
Classification: Uncertain significance for Inborn genetic diseases. Last evaluated: 2025-09-10. Review status: criteria provided, single submitter. Criteria: Ambry Variant Classification Scheme 2023. Collection method: clinical testing. Allele origin: germline.

PreventionGenetics, part of Exact Sciences
Classification: Uncertain significance for BBS2-related condition. Last evaluated: 2024-05-01. Review status: no assertion criteria provided. Collection method: clinical testing. Allele origin: germline. Not counted in ClinVar's aggregate classification.
Comment: The BBS2 c.1828C>T variant is predicted to result in the amino acid substitution p.Leu610Phe. To our knowledge, this variant has not been reported in the literature or in a large population database, indicating this variant is rare. At this time, the clinical significance of this variant is uncertain due to the absence of conclusive functional and genetic evidence.